The following is an entry in ClinVar:

NM_005188.4(CBL):c.2161G>T (p.Asp721Tyr)

Gene: CBL (Cbl proto-oncogene; plus strand). Cytogenetic location: 11q23.3.
Variant type: single nucleotide variant.
Coding change: c.2161G>T on transcript NM_005188.4 (MANE Select); coding-DNA position 2161, G replaced by T.
Protein change: p.Asp721Tyr; replaces aspartic acid 721 with tyrosine.
Molecular consequence: missense variant.
Genome position (GRCh38, 1-based): chr11:119,297,391, G>T. VCF-style: chr11-119297391-G-T. GRCh37 (hg19) VCF-style: chr11-119168101-G-T.
Other names: short protein forms D721Y.
Identifiers: ClinVar variation 2119228 (VCV002119228.4), dbSNP rs2496971896, ClinGen allele CA382927812.

ClinVar aggregate classification (germline): Uncertain significance (1 of 4 stars; one submission).

Conditions:
RASopathy. Also called: rasopathies; Noonan spectrum disorder. Identifiers: Orphanet 536391, MedGen C5555857, MONDO:0021060.

Submission:

Labcorp Genetics (formerly Invitae), Labcorp
Classification: Uncertain significance for RASopathy. Last evaluated: 2022-03-29. Review status: criteria provided, single submitter. Criteria: Invitae Variant Classification Sherloc (09022015). Collection method: clinical testing. Allele origin: germline.
Comment: Advanced modeling of protein sequence and biophysical properties (such as structural, functional, and spatial information, amino acid conservation, physicochemical variation, residue mobility, and thermodynamic stability) performed at Invitae indicates that this missense variant is not expected to disrupt CBL protein function. In summary, the available evidence is currently insufficient to determine the role of this variant in disease. Therefore, it has been classified as a Variant of Uncertain Significance. This variant has not been reported in the literature in individuals affected with CBL-related conditions. This variant is not present in population databases (gnomAD no frequency). This sequence change replaces aspartic acid, which is acidic and polar, with tyrosine, which is neutral and polar, at codon 721 of the CBL protein (p.Asp721Tyr).